The following is an entry in ClinVar:

NM_002568.4(PABPC1):c.388-4C>T

Gene: PABPC1 (poly(A) binding protein cytoplasmic 1; minus strand). Cytogenetic location: 8q22.3.
Variant type: single nucleotide variant.
Coding change: c.388-4C>T on transcript NM_002568.4 (MANE Select); 4 bases into the intron before coding-DNA position 388, C replaced by T.
Molecular consequence: intron variant.
Genome position (GRCh38, 1-based): chr8:100,717,892, G>A on the plus strand (C>T on the coding strand, the complement: PABPC1 is on the minus strand). VCF-style: chr8-100717892-G-A. GRCh37 (hg19) VCF-style: chr8-101730120-G-A.
Identifiers: ClinVar variation 731563 (VCV000731563.27), dbSNP rs200817756, ClinGen allele CA4829647.

ClinVar aggregate classification (germline): Benign/Likely benign. Review status: criteria provided, multiple submitters, no conflicts (2 of 4 stars). 2 submissions from 2 submitters: Benign (1); Likely benign (1). Last evaluated 2022-03-01.

Allele frequency attached by ClinVar (database versions not stated): gnomAD exomes 0.00053 and 0.00106; gnomAD 0.00062 and 0.00064; TOPMed 0.00062; ESP Exome Variant Server 0.00077.
gnomAD v4.1: 841 of 1,460,622 alleles (0.058%); highest among the groups gnomAD compares: Non-Finnish European, 0.011%; 6 homozygotes.

Submissions (2):

CeGaT Center for Human Genetics Tuebingen
Classification: Likely benign. Last evaluated: 2022-03-01. Review status: criteria provided, single submitter. Criteria: CeGaT Center For Human Genetics Tuebingen Variant Classification Criteria Version 2. Collection method: clinical testing. Allele origin: germline. Affected: yes. Observed: 1 variant allele.
Comment: PABPC1: BP4

Labcorp Genetics (formerly Invitae), Labcorp
Classification: Benign. Last evaluated: 2018-07-31. Review status: criteria provided, single submitter. Criteria: Invitae Variant Classification Sherloc (09022015). Collection method: clinical testing. Allele origin: germline.